The following is an entry in ClinVar:

NM_000275.3(OCA2):c.1631T>C (p.Ile544Thr)

Gene: OCA2 (OCA2 melanosomal transmembrane protein; minus strand). Cytogenetic location: 15q13.1.
Variant type: single nucleotide variant.
Coding change: c.1631T>C on transcript NM_000275.3 (MANE Select); coding-DNA position 1631, T replaced by C.
Protein change: p.Ile544Thr; replaces isoleucine 544 with threonine.
Molecular consequence: missense variant.
Genome position (GRCh38, 1-based): chr15:27,966,695, A>G on the plus strand (T>C on the coding strand, the complement: OCA2 is on the minus strand). VCF-style: chr15-27966695-A-G. GRCh37 (hg19) VCF-style: chr15-28211841-A-G.
Other names: c.1559T>C, p.Ile520Thr (NM_001300984.2); short protein forms I544T, I520T.
Identifiers: ClinVar variation 885237 (VCV000885237.8), dbSNP rs34141095, ClinGen allele CA7438975.

ClinVar aggregate classification (germline): Conflicting classifications of pathogenicity. Review status: criteria provided, conflicting classifications (1 of 4 stars). 3 submissions from 3 submitters: Likely pathogenic (1); Uncertain significance (2). Last evaluated 2024-12-02.

Conditions:
OCA2-related disorder. Also called: OCA2-related condition.
Tyrosinase-positive oculocutaneous albinism (OCA2). Also called: Albinism, oculocutaneous, type II; ALBINISM II; Oculocutaneous albinism type 2. Identifiers: Orphanet 79432, MedGen C0268495, MONDO:0008746, OMIM 203200.

Allele frequency attached by ClinVar (database versions not stated): ExAC 0.00011; gnomAD 0.00011; gnomAD exomes 0.00013; TOPMed 0.00013; ESP Exome Variant Server 0.00015.
gnomAD v4.1: 152 of 1,614,060 alleles (0.0094%); highest among the groups gnomAD compares: Middle Eastern, 0.084%; no homozygotes.

Submissions (3):

Labcorp Genetics (formerly Invitae), Labcorp
Classification: Uncertain significance. Last evaluated: 2024-12-02. Review status: criteria provided, single submitter. Criteria: Invitae Variant Classification Sherloc (09022015). Collection method: clinical testing. Allele origin: germline.
Comment: This sequence change replaces isoleucine, which is neutral and non-polar, with threonine, which is neutral and polar, at codon 544 of the OCA2 protein (p.Ile544Thr). This variant is present in population databases (rs34141095, gnomAD 0.1%). This variant has not been reported in the literature in individuals affected with OCA2-related conditions. ClinVar contains an entry for this variant (Variation ID: 885237). Invitae Evidence Modeling of protein sequence and biophysical properties (such as structural, functional, and spatial information, amino acid conservation, physicochemical variation, residue mobility, and thermodynamic stability) indicates that this missense variant is not expected to disrupt OCA2 protein function with a negative predictive value of 80%. In summary, the available evidence is currently insufficient to determine the role of this variant in disease. Therefore, it has been classified as a Variant of Uncertain Significance.

Blueprint Genetics
Classification: Likely pathogenic for OCA2-related disorders. Last evaluated: 2024-10-30. Review status: criteria provided, single submitter. Criteria: ACMG Guidelines, 2015. Collection method: clinical testing. Allele origin: germline. Affected: yes. Observed: 5 variant alleles.

Illumina Laboratory Services, Illumina
Classification: Uncertain significance for Tyrosinase-positive oculocutaneous albinism. Last evaluated: 2017-04-27. Review status: criteria provided, single submitter. Criteria: ICSL Variant Classification Criteria 13 December 2019. Collection method: clinical testing. Allele origin: germline.
Comment: This variant was observed as part of a predisposition screen in an ostensibly healthy population. A literature search was performed for the gene, cDNA change, and amino acid change (where applicable). Publications were found based on this search. However, the evidence from the literature, in combination with allele frequency data from public databases where available, was not sufficient to rule this variant in or out of causing disease. Therefore, this variant is classified as a variant of unknown significance.

Literature cited by the submitters: PubMed 23824587 (cited by Illumina Laboratory Services, Illumina).